The following is an entry in ClinVar:

NM_018116.4(MSTO1):c.489C>G (p.Val163=)

Gene: MSTO1 (misato mitochondrial distribution and morphology regulator 1; plus strand). Cytogenetic location: 1q22.
Variant type: single nucleotide variant.
Coding change: c.489C>G on transcript NM_018116.4 (MANE Select); coding-DNA position 489, C replaced by G.
Protein change: p.Val163=; no amino-acid change (valine 163 retained).
Molecular consequence: synonymous variant. On other transcripts: 5 prime UTR variant (13), non-coding transcript variant (6).
Genome position (GRCh38, 1-based): chr1:155,611,756, C>G. VCF-style: chr1-155611756-C-G. GRCh37 (hg19) VCF-style: chr1-155581547-C-G.
Other names: p.Val163=; c.489C>G, p.Val163= (NM_001256532.1, NM_001256533.1, NM_001350772.1 and 3 more transcripts); c.324C>G, p.Val108= (NM_001350776.1); c.-68C>G (NM_001350777.1, NM_001350778.1, NM_001350779.1); c.-46C>G (NM_001350780.1, NM_001350781.1, NM_001350782.1 and 3 more transcripts); c.-117C>G (NM_001350784.1, NM_001350785.1, NM_001350787.1 and 1 more transcripts).
Identifiers: ClinVar variation 713032 (VCV000713032.8), dbSNP rs533664518, ClinGen allele CA1147937.

ClinVar aggregate classification (germline): Benign/Likely benign. Review status: criteria provided, multiple submitters, no conflicts (2 of 4 stars). 4 submissions from 4 submitters: Benign (1); Likely benign (2). 1 of the submissions does not count toward it. Last evaluated 2023-02-10.

Conditions:
MSTO1-related disorder. Also called: MSTO1‑Related Disease.

Allele frequency attached by ClinVar (database versions not stated): gnomAD exomes 0.00296; gnomAD 0.00687; 1000 Genomes Project 0.01138; 1000 Genomes Project 30x 0.01265; ExAC 0.01468.

Submissions (4):

Mayo Clinic Laboratories, Mayo Clinic
Classification: Benign. Last evaluated: 2023-02-10. Review status: criteria provided, single submitter. Criteria: ACMG Guidelines, 2015. Collection method: clinical testing. Allele origin: germline. Observed: 3 variant alleles.
Comment: BA1, BP4, BP7

Labcorp Genetics (formerly Invitae), Labcorp
Classification: Likely benign. Last evaluated: 2019-12-31. Review status: criteria provided, single submitter. Criteria: Invitae Variant Classification Sherloc (09022015). Collection method: clinical testing. Allele origin: germline.

Breakthrough Genomics
Classification: Likely benign. Review status: criteria provided, single submitter. Criteria: ACMG Guidelines, 2015. Collection method: not provided. Allele origin: germline. Inheritance: Autosomal recessive inheritance. Affected: yes.

PreventionGenetics, part of Exact Sciences
Classification: Likely benign for MSTO1-related condition. Last evaluated: 2019-02-21. Review status: no assertion criteria provided. Collection method: clinical testing. Allele origin: germline. Not counted in ClinVar's aggregate classification.
Comment: This variant is classified as likely benign based on ACMG/AMP sequence variant interpretation guidelines (Richards et al. 2015 PMID: 25741868, with internal and published modifications).